The following is an entry in ClinVar:

ClinVar aggregate classification (germline): Uncertain significance (1 of 4 stars; one submission).

gnomAD v4.1: 2 of 1,614,194 alleles (0.00012%); highest among the groups gnomAD compares: African/African-American, 0.0013%; no homozygotes.

Submission:

Ambry Genetics
Classification: Uncertain significance. Last evaluated: 2025-11-11. Review status: criteria provided, single submitter. Criteria: Ambry Variant Classification Scheme 2023. Collection method: clinical testing. Allele origin: germline.
Comment: The p.Q154R variant (also known as c.461A>G), located in coding exon 1 of the MLH3 gene, results from an A to G substitution at nucleotide position 461. The glutamine at codon 154 is replaced by arginine, an amino acid with highly similar properties. This amino acid position is conserved. In addition, the in silico prediction for this alteration is inconclusive. Based on the available evidence, the clinical significance of this variant remains unclear.

NM_001040108.2(MLH3):c.461A>G (p.Gln154Arg)

Gene: MLH3 (mutL homolog 3; minus strand). Cytogenetic location: 14q24.3.
Variant type: single nucleotide variant.
Coding change: c.461A>G on transcript NM_001040108.2 (MANE Select); coding-DNA position 461, A replaced by G.
Protein change: p.Gln154Arg; replaces glutamine 154 with arginine.
Molecular consequence: missense variant.
Genome position (GRCh38, 1-based): chr14:75,049,195, T>C on the plus strand (A>G on the coding strand, the complement: MLH3 is on the minus strand). VCF-style: chr14-75049195-T-C. GRCh37 (hg19) VCF-style: chr14-75515898-T-C.
Other names: c.461A>G, p.Gln154Arg (NM_014381.3); short protein forms Q154R.
Identifiers: ClinVar variation 4552116 (VCV004552116.1).